The following is an entry in ClinVar:

ClinVar aggregate classification (germline): Uncertain significance. Review status: criteria provided, multiple submitters, no conflicts (2 of 4 stars). 2 submissions from 2 submitters: Uncertain significance (2). Last evaluated 2025-06-22.

Conditions:
Inborn genetic diseases. Identifiers: MedGen C0950123, MeSH D030342.

gnomAD v4.1: 1 of 1,521,070 alleles (0.000066%); highest among the groups gnomAD compares: Admixed American, 0.0022%; no homozygotes.

Submissions (2):

Ambry Genetics
Classification: Uncertain significance for Inborn genetic diseases. Last evaluated: 2025-06-22. Review status: criteria provided, single submitter. Criteria: Ambry Variant Classification Scheme 2023. Collection method: clinical testing. Allele origin: germline.

Labcorp Genetics (formerly Invitae), Labcorp
Classification: Uncertain significance. Last evaluated: 2025-05-27. Review status: criteria provided, single submitter. Criteria: Invitae Variant Classification Sherloc (09022015). Collection method: clinical testing. Allele origin: germline.
Comment: This sequence change replaces aspartic acid, which is acidic and polar, with histidine, which is basic and polar, at codon 221 of the KCNC3 protein (p.Asp221His). This variant is present in population databases (no rsID available, gnomAD 0.005%). This variant has not been reported in the literature in individuals affected with KCNC3-related conditions. Invitae Evidence Modeling of protein sequence and biophysical properties (such as structural, functional, and spatial information, amino acid conservation, physicochemical variation, residue mobility, and thermodynamic stability) indicates that this missense variant is not expected to disrupt KCNC3 protein function with a negative predictive value of 95%. In summary, the available evidence is currently insufficient to determine the role of this variant in disease. Therefore, it has been classified as a Variant of Uncertain Significance.

NM_004977.3(KCNC3):c.661G>C (p.Asp221His)

Gene: KCNC3 (potassium voltage-gated channel subfamily C member 3; minus strand). Cytogenetic location: 19q13.33.
Variant type: single nucleotide variant.
Coding change: c.661G>C on transcript NM_004977.3 (MANE Select); coding-DNA position 661, G replaced by C.
Protein change: p.Asp221His; replaces aspartic acid 221 with histidine.
Molecular consequence: missense variant.
Genome position (GRCh38, 1-based): chr19:50,328,422, C>G on the plus strand (G>C on the coding strand, the complement: KCNC3 is on the minus strand). VCF-style: chr19-50328422-C-G. GRCh37 (hg19) VCF-style: chr19-50831679-C-G.
Other names: c.433G>C, p.Asp145His (NM_001372305.1); short protein forms D145H, D221H.
Identifiers: ClinVar variation 4090181 (VCV004090181.2).